The following is an entry in ClinVar:

ClinVar aggregate classification (germline): Uncertain significance (1 of 4 stars; one submission).

Conditions:
Familial thoracic aortic aneurysm and aortic dissection (TAAD). Also called: Thoracic aortic aneurysms and dissections. Identifiers: Orphanet 91387, MedGen C4707243, MONDO:0019625.
Hereditary cancer-predisposing syndrome. Also called: Neoplastic Syndromes, Hereditary; Tumor predisposition; Hereditary neoplastic syndrome; Hereditary Cancer Syndrome. Identifiers: Orphanet 140162, MedGen C0027672, MeSH D009386, MONDO:0015356.

Submission:

Ambry Genetics
Classification: Uncertain significance for Hereditary cancer-predisposing syndrome; Familial thoracic aortic aneurysm and aortic dissection. Last evaluated: 2026-08-31. Review status: criteria provided, single submitter. Criteria: Ambry Variant Classification Scheme 2023. Collection method: clinical testing. Allele origin: germline.
Comment: The p.A418T variant (also known as c.1252G>A), located in coding exon 9 of the SMAD4 gene, results from a G to A substitution at nucleotide position 1252. The alanine at codon 418 is replaced by threonine, an amino acid with similar properties. This amino acid position is conserved. In addition, this alteration is predicted to be deleterious by in silico analysis. Based on the available evidence, the clinical significance of this variant remains unclear.

NM_005359.6(SMAD4):c.1252G>A (p.Ala418Thr)

Gene: SMAD4 (SMAD family member 4; plus strand). Cytogenetic location: 18q21.2.
Variant type: single nucleotide variant.
Coding change: c.1252G>A on transcript NM_005359.6 (MANE Select); coding-DNA position 1252, G replaced by A.
Protein change: p.Ala418Thr; replaces alanine 418 with threonine.
Molecular consequence: missense variant. On other transcripts: non-coding transcript variant (1).
Genome position (GRCh38, 1-based): chr18:51,067,131, G>A. VCF-style: chr18-51067131-G-A. GRCh37 (hg19) VCF-style: chr18-48593501-G-A.
Other names: c.1252G>A, p.Ala418Thr (NM_001407041.1, NM_001407042.1); short protein forms A418T.
Identifiers: ClinVar variation 5029763 (VCV005029763.1).